The following is an entry in ClinVar:

ClinVar aggregate classification (germline): Uncertain significance (1 of 4 stars; one submission).

Allele frequency attached by ClinVar (database versions not stated): ExAC 0.00003.
gnomAD v4.1: 29 of 1,614,062 alleles (0.0018%); highest among the groups gnomAD compares: Non-Finnish European, 0.00017%; no homozygotes.

Submission:

Labcorp Genetics (formerly Invitae), Labcorp
Classification: Uncertain significance. Last evaluated: 2025-01-12. Review status: criteria provided, single submitter. Criteria: Invitae Variant Classification Sherloc (09022015). Collection method: clinical testing. Allele origin: germline.
Comment: This sequence change replaces asparagine, which is neutral and polar, with aspartic acid, which is acidic and polar, at codon 34 of the ANGPT1 protein (p.Asn34Asp). This variant is present in population databases (rs752787463, gnomAD 0.09%), and has an allele count higher than expected for a pathogenic variant. This variant has not been reported in the literature in individuals affected with ANGPT1-related conditions. ClinVar contains an entry for this variant (Variation ID: 2918667). An algorithm developed to predict the effect of missense changes on protein structure and function (PolyPhen-2) suggests that this variant is likely to be tolerated. In summary, the available evidence is currently insufficient to determine the role of this variant in disease. Therefore, it has been classified as a Variant of Uncertain Significance.

NM_001146.5(ANGPT1):c.100A>G (p.Asn34Asp)

Gene: ANGPT1 (angiopoietin 1; minus strand). Cytogenetic location: 8q23.1.
Variant type: single nucleotide variant.
Coding change: c.100A>G on transcript NM_001146.5 (MANE Select); coding-DNA position 100, A replaced by G.
Protein change: p.Asn34Asp; replaces asparagine 34 with aspartic acid.
Molecular consequence: missense variant.
Genome position (GRCh38, 1-based): chr8:107,497,459, T>C on the plus strand (A>G on the coding strand, the complement: ANGPT1 is on the minus strand). VCF-style: chr8-107497459-T-C. GRCh37 (hg19) VCF-style: chr8-108509687-T-C.
Other names: c.100A>G, p.Asn34Asp (NM_001199859.3); short protein forms N34D.
Identifiers: ClinVar variation 2918667 (VCV002918667.3), dbSNP rs752787463, ClinGen allele CA4841446.